The following is an entry in ClinVar:

NM_153704.6(TMEM67):c.2159C>A (p.Pro720Gln)

Gene: TMEM67 (transmembrane protein 67; plus strand). Cytogenetic location: 8q22.1.
Variant type: single nucleotide variant.
Coding change: c.2159C>A on transcript NM_153704.6 (MANE Select); coding-DNA position 2159, C replaced by A.
Protein change: p.Pro720Gln; replaces proline 720 with glutamine.
Molecular consequence: missense variant. On other transcripts: non-coding transcript variant (1).
Genome position (GRCh38, 1-based): chr8:93,799,676, C>A. VCF-style: chr8-93799676-C-A. GRCh37 (hg19) VCF-style: chr8-94811904-C-A.
Other names: c.1916C>A, p.Pro639Gln (NM_001142301.1); short protein forms P639Q, P720Q.
Identifiers: ClinVar variation 2105868 (VCV002105868.4), dbSNP rs2536912385, ClinGen allele CA371695444.
Genomic context (GRCh38, chr8:93,799,676, plus strand): 5'-AGGTTGTGGGATTCAAGAACTTAGCATTAATGGACTCATCTTCTAGTCTTTCTAGAAACC[C>A]ACCTAGCTACATAGCTCCTTATAGCTGCATTTTGAGATATGCAGTGTCTGCTGCTCTTTG-3'
Protein context (NP_714915.3, residues 710-730): MDSSSSLSRN[Pro720Gln]PSYIAPYSCI

ClinVar aggregate classification (germline): Uncertain significance (1 of 4 stars; one submission).

Conditions:
Joubert syndrome. Also called: CEREBELLOPARENCHYMAL DISORDER IV; JOUBERT-BOLTSHAUSER SYNDROME; Familial aplasia of the vermis. Identifiers: Orphanet 475, MedGen C5979921, MONDO:0018772.
Meckel-Gruber syndrome. Also called: DYSENCEPHALIA SPLANCHNOCYSTICA; GRUBER SYNDROME; Dysencephalia splachnocystica. Identifiers: Orphanet 564, MedGen C0265215, MONDO:0018921.

Submission:

Labcorp Genetics (formerly Invitae), Labcorp
Classification: Uncertain significance for Joubert syndrome; Meckel-Gruber syndrome. Last evaluated: 2022-03-04. Review status: criteria provided, single submitter. Criteria: Invitae Variant Classification Sherloc (09022015). Collection method: clinical testing. Allele origin: germline.
Comment: In summary, the available evidence is currently insufficient to determine the role of this variant in disease. Therefore, it has been classified as a Variant of Uncertain Significance. Advanced modeling of protein sequence and biophysical properties (such as structural, functional, and spatial information, amino acid conservation, physicochemical variation, residue mobility, and thermodynamic stability) performed at Invitae indicates that this missense variant is not expected to disrupt TMEM67 protein function. This variant has not been reported in the literature in individuals affected with TMEM67-related conditions. This variant is not present in population databases (gnomAD no frequency). This sequence change replaces proline, which is neutral and non-polar, with glutamine, which is neutral and polar, at codon 720 of the TMEM67 protein (p.Pro720Gln).